The following is an entry in ClinVar:

ClinVar aggregate classification (germline): Uncertain significance (1 of 4 stars; one submission).

Submission:

GeneDx
Classification: Uncertain significance. Last evaluated: 2026-03-29. Review status: criteria provided, single submitter. Criteria: GeneDx Variant Classification Process June 2021. Collection method: clinical testing. Allele origin: germline.
Comment: Not observed at significant frequency in large population cohorts (gnomAD); Frameshift variant predicted to result in abnormal protein length as the last 70 amino acid(s) are replaced with 10 different amino acid(s); Has not been previously published as pathogenic or benign to our knowledge

NM_032590.5(KDM2B):c.3799dup (p.Arg1267fs)

Gene: KDM2B (lysine demethylase 2B; minus strand). Cytogenetic location: 12q24.31.
Variant type: Duplication.
Coding change: c.3799dup on transcript NM_032590.5 (MANE Select); coding-DNA position 3799, one base duplicated (C; older notation c.3799dupC).
Protein change: p.Arg1267fs; shifts the reading frame from arginine 1267.
Molecular consequence: frameshift variant.
Genome position (GRCh38, 1-based): chr12:121,439,887, G duplicated on the plus strand (C on the coding strand, the reverse complement: KDM2B is on the minus strand); the first of 3 consecutive G bases (chr12:121,439,887-121,439,889); duplicating any one gives the same sequence. VCF-style (leftmost placement, unchanged base first): chr12-121439886-C-CG. GRCh37 (hg19) VCF-style: chr12-121877689-C-CG.
Other names: c.3706dup, p.Arg1236fs (NM_001439026.1, NM_001439025.1); c.3688dup, p.Arg1230fs (NM_001439028.1); c.3622dup, p.Arg1208fs (NM_001439029.1); c.2119dup, p.Arg707fs (NM_001439032.1); c.3592dup, p.Arg1198fs (NM_001005366.2); c.3895dup, p.Arg1299fs (NM_001439014.1, NM_001439015.1); c.3877dup, p.Arg1293fs (NM_001439016.1); c.3799dup, p.Arg1267fs (NM_001439017.1, NM_001439018.1); and 3 more; short protein forms R1198fs, R1208fs, R1230fs, R1236fs, R1246fs, R1256fs, R1262fs, R1267fs.
Identifiers: ClinVar variation 5017837 (VCV005017837.1).
Genomic context (GRCh38, chr12:121,439,886, plus strand): 5'-TAGGCAGACCCGATGGGGGCCCCTGACTCACCAGACAGGTTGATCTCGGTTAAGGAGTCT[C>CG]GGGTGGTGGTGCCAACAGCAGTGAGCAGGTTGATAGACTGGTCGGTGACGTGGTTACAGT-3'